The following is an entry in ClinVar:

NM_152631.3(FAM47B):c.1313T>C (p.Leu438Pro)

Gene: FAM47B (family with sequence similarity 47 member B; plus strand). Cytogenetic location: Xp21.1.
Variant type: single nucleotide variant.
Coding change: c.1313T>C on transcript NM_152631.3 (MANE Select); coding-DNA position 1313, T replaced by C.
Protein change: p.Leu438Pro; replaces leucine 438 with proline.
Molecular consequence: missense variant.
Genome position (GRCh38, 1-based): chrX:34,944,144, T>C. VCF-style: chrX-34944144-T-C. GRCh37 (hg19) VCF-style: chrX-34962261-T-C.
Other names: short protein forms L438P.
Identifiers: ClinVar variation 3044150 (VCV003044150.2), dbSNP rs149776639, ClinGen allele CA10381087.
Genomic context (GRCh38, chrX:34,944,144, plus strand): 5'-GTCGGGTGTCCAGTCTCTGCCCGGAGCCTACCAAGACCGGAGCGTCCCATCTAAAAGAAC[T>C]GTTTCAGGAAGATACACCAAGCACAATGGAGTGTGTTTCTGACTCTCTTCAACGTAGACA-3'
Protein context (NP_689844.2, residues 428-448): TKTGASHLKE[Leu438Pro]FQEDTPSTME

ClinVar aggregate classification (germline): Benign (0 of 4 stars; one submission).

Conditions:
FAM47B-related disorder. Also called: FAM47B-related condition.

Allele frequency attached by ClinVar (database versions not stated): gnomAD exomes 0.00086; TOPMed 0.00169; gnomAD 0.00179; ExAC 0.00342; 1000 Genomes Project 30x 0.01186; 1000 Genomes Project 0.01298.

Submission:

PreventionGenetics, part of Exact Sciences
Classification: Benign for FAM47B-related condition. Last evaluated: 2019-08-01. Review status: no assertion criteria provided. Collection method: clinical testing. Allele origin: germline.
Comment: This variant is classified as benign based on ACMG/AMP sequence variant interpretation guidelines (Richards et al. 2015 PMID: 25741868, with internal and published modifications).